The following is an entry in ClinVar:

NM_002075.4(GNB3):c.620G>C (p.Ser207Thr)

Gene: GNB3 (G protein subunit beta 3; plus strand). Cytogenetic location: 12p13.31.
Variant type: single nucleotide variant.
Coding change: c.620G>C on transcript NM_002075.4 (MANE Select); coding-DNA position 620, G replaced by C.
Protein change: p.Ser207Thr; replaces serine 207 with threonine.
Molecular consequence: missense variant.
Genome position (GRCh38, 1-based): chr12:6,843,899, G>C. VCF-style: chr12-6843899-G-C. GRCh37 (hg19) VCF-style: chr12-6953063-G-C.
Other names: c.617G>C, p.Ser206Thr (NM_001297571.2); c.620G>C (NM_002075.2); short protein forms S206T, S207T.
Identifiers: ClinVar variation 1505059 (VCV001505059.10), dbSNP rs200634640, ClinGen allele CA6417595.

ClinVar aggregate classification (germline): Uncertain significance. Review status: criteria provided, multiple submitters, no conflicts (2 of 4 stars). 3 submissions from 3 submitters: Uncertain significance (3). Last evaluated 2025-10-14.

Conditions:
Inborn genetic diseases. Identifiers: MedGen C0950123, MeSH D030342.

Allele frequency attached by ClinVar (database versions not stated): gnomAD 0.00003 and 0.00004; TOPMed 0.00005.
gnomAD v4.1: 88 of 1,613,940 alleles (0.0055%); highest among the groups gnomAD compares: Non-Finnish European, 0.0067%; no homozygotes.

Submissions (3):

Ambry Genetics
Classification: Uncertain significance for Inborn genetic diseases. Last evaluated: 2025-10-14. Review status: criteria provided, single submitter. Criteria: Ambry Variant Classification Scheme 2023. Collection method: clinical testing. Allele origin: germline.

Labcorp Genetics (formerly Invitae), Labcorp
Classification: Uncertain significance. Last evaluated: 2025-03-05. Review status: criteria provided, single submitter. Criteria: Invitae Variant Classification Sherloc (09022015). Collection method: clinical testing. Allele origin: germline.
Comment: This sequence change replaces serine, which is neutral and polar, with threonine, which is neutral and polar, at codon 207 of the GNB3 protein (p.Ser207Thr). This variant is present in population databases (rs200634640, gnomAD 0.005%). This variant has not been reported in the literature in individuals affected with GNB3-related conditions. ClinVar contains an entry for this variant (Variation ID: 1505059). Invitae Evidence Modeling of protein sequence and biophysical properties (such as structural, functional, and spatial information, amino acid conservation, physicochemical variation, residue mobility, and thermodynamic stability) indicates that this missense variant is not expected to disrupt GNB3 protein function with a negative predictive value of 80%. In summary, the available evidence is currently insufficient to determine the role of this variant in disease. Therefore, it has been classified as a Variant of Uncertain Significance.

Blueprint Genetics
Classification: Uncertain significance. Last evaluated: 2023-10-24. Review status: criteria provided, single submitter. Criteria: ACMG Guidelines, 2015. Collection method: clinical testing. Allele origin: germline.